The following is an entry in ClinVar:

ClinVar aggregate classification (germline): Conflicting classifications of pathogenicity. Review status: criteria provided, conflicting classifications (1 of 4 stars). 5 submissions from 5 submitters: Uncertain significance (4); Benign (1). Last evaluated 2025-08-29.

Conditions:
Hereditary nonpolyposis colorectal neoplasms. Identifiers: MedGen C0009405, MeSH D003123.
Hereditary cancer-predisposing syndrome. Also called: Neoplastic Syndromes, Hereditary; Tumor predisposition; Hereditary Cancer Syndrome; Hereditary neoplastic syndrome. Identifiers: Orphanet 140162, MedGen C0027672, MeSH D009386, MONDO:0015356.
Lynch syndrome. Identifiers: Orphanet 144, MedGen C4552100, MONDO:0005835. Disease mechanism: loss of function.

Allele frequency attached by ClinVar (database versions not stated): gnomAD 0.00001; TOPMed 0.00001.
gnomAD v4.1: 1 of 1,614,024 alleles (0.000062%); highest among the groups gnomAD compares: African/African-American, 0.0013%; no homozygotes.

Submissions (5):

Color Diagnostics, LLC DBA Color Health
Classification: Uncertain significance for Hereditary cancer-predisposing syndrome. Last evaluated: 2025-08-29. Review status: criteria provided, single submitter. Criteria: ACMG Guidelines, 2015. Collection method: clinical testing. Allele origin: germline.
Comment: This missense variant replaces threonine with serine at codon 727 of the MSH6 protein. Computational prediction suggests that this variant may not impact protein structure and function. To our knowledge, functional studies have not been reported for this variant. This variant has not been reported in individuals affected with MSH6-related disorders in the literature. This variant has been identified in 1/250942 chromosomes in the general population by the Genome Aggregation Database (gnomAD). The available evidence is insufficient to determine the role of this variant in disease conclusively. Therefore, this variant is classified as a Variant of Uncertain Significance.

Labcorp Genetics (formerly Invitae), Labcorp
Classification: Benign for Hereditary nonpolyposis colorectal neoplasms. Last evaluated: 2025-05-04. Review status: criteria provided, single submitter. Criteria: Invitae Variant Classification Sherloc (09022015). Collection method: clinical testing. Allele origin: germline.

Ambry Genetics
Classification: Uncertain significance for Hereditary cancer-predisposing syndrome. Last evaluated: 2024-03-13. Review status: criteria provided, single submitter. Criteria: Ambry Variant Classification Scheme 2023. Collection method: clinical testing. Allele origin: germline.
Comment: The p.T727S variant (also known as c.2180C>G), located in coding exon 4 of the MSH6 gene, results from a C to G substitution at nucleotide position 2180. The threonine at codon 727 is replaced by serine, an amino acid with similar properties. This amino acid position is poorly conserved in available vertebrate species. In addition, this alteration is predicted to be tolerated by in silico analysis. Since supporting evidence is limited at this time, the clinical significance of this alteration remains unclear.

All of Us Research Program, National Institutes of Health
Classification: Uncertain significance for Lynch syndrome. Last evaluated: 2023-12-13. Review status: criteria provided, single submitter. Criteria: ACMG Guidelines, 2015. Collection method: clinical testing. Allele origin: germline. Inheritance: Autosomal dominant inheritance. Observed: 3 variant alleles, 3 heterozygotes.
Comment: This missense variant replaces threonine with serine at codon 727 of the MSH6 protein. Computational prediction suggests that this variant may not impact protein structure and function (internally defined REVEL score threshold <= 0.5, PMID: 27666373). To our knowledge, functional studies have not been reported for this variant. This variant has not been reported in individuals affected with MSH6-related disorders in the literature. This variant has been identified in 1/250942 chromosomes in the general population by the Genome Aggregation Database (gnomAD). The available evidence is insufficient to determine the role of this variant in disease conclusively. Therefore, this variant is classified as a Variant of Uncertain Significance.

This study involves interpretation of variants in research participants for the purpose of population health screening. Participant phenotype was not available at the time of variant classification. Additional details can be found in publication PMID: 35346344, PMCID: PMC8962531

GeneDx
Classification: Uncertain significance. Last evaluated: 2023-11-03. Review status: criteria provided, single submitter. Criteria: GeneDx Variant Classification Process June 2021. Collection method: clinical testing. Allele origin: germline. Affected: yes.
Comment: Not observed at significant frequency in large population cohorts (gnomAD); In silico analysis supports that this missense variant does not alter protein structure/function; Has not been previously published as pathogenic or benign to our knowledge; This variant is associated with the following publications: (PMID: 17531815, 21120944)

NM_000179.3(MSH6):c.2180C>G (p.Thr727Ser)

Gene: MSH6 (mutS homolog 6; plus strand). Cytogenetic location: 2p16.3.
Variant type: single nucleotide variant.
Coding change: c.2180C>G on transcript NM_000179.3 (MANE Select); coding-DNA position 2180, C replaced by G.
Protein change: p.Thr727Ser; replaces threonine 727 with serine.
Molecular consequence: missense variant.
Genome position (GRCh38, 1-based): chr2:47,800,163, C>G. VCF-style: chr2-47800163-C-G. GRCh37 (hg19) VCF-style: chr2-48027302-C-G.
Other names: c.1790C>G, p.Thr597Ser (NM_001281492.2); c.1274C>G, p.Thr425Ser (NM_001281493.2, NM_001281494.2); short protein forms T727S, T597S, T425S.
Identifiers: ClinVar variation 525592 (VCV000525592.21), dbSNP rs767861096, ClinGen allele CA068566.
Genomic context (GRCh38, chr2:47,800,163, plus strand): 5'-AAGAATATATTCCCTTGGATTCTGACACAGTCAGCACTACAAGATCTGGTGCTATCTTCA[C>G]CAAAGCCTATCAACGAATGGTGCTAGATGCAGTGACATTAAACAACTTGGAGATTTTTCT-3'
Protein context (NP_000170.1, residues 717-737): VSTTRSGAIF[Thr727Ser]KAYQRMVLDA